The following is an entry in ClinVar:

ClinVar aggregate classification (germline): Pathogenic (1 of 4 stars; one submission).

Submission:

GeneDx
Classification: Pathogenic. Last evaluated: 2024-02-12. Review status: criteria provided, single submitter. Criteria: GeneDx Variant Classification Process June 2021. Collection method: clinical testing. Allele origin: germline. Affected: yes.
Comment: Not observed at significant frequency in large population cohorts (gnomAD); In silico analysis supports that this missense variant has a deleterious effect on protein structure/function; Has not been previously published as pathogenic or benign to our knowledge

NM_000346.4(SOX9):c.512A>T (p.Asp171Val)

Gene: SOX9 (SRY-box transcription factor 9; plus strand). Cytogenetic location: 17q24.3.
Variant type: single nucleotide variant.
Coding change: c.512A>T on transcript NM_000346.4 (MANE Select); coding-DNA position 512, A replaced by T.
Protein change: p.Asp171Val; replaces aspartic acid 171 with valine.
Molecular consequence: missense variant.
Genome position (GRCh38, 1-based): chr17:72,122,799, A>T. VCF-style: chr17-72122799-A-T. GRCh37 (hg19) VCF-style: chr17-70118940-A-T.
Other names: short protein forms D171V.
Identifiers: ClinVar variation 3362078 (VCV003362078.1).